The following is an entry in ClinVar:

ClinVar aggregate classification (germline): Uncertain significance (1 of 4 stars; one submission).

Conditions:
Duchenne muscular dystrophy (DMD). Also called: MUSCULAR DYSTROPHY, PSEUDOHYPERTROPHIC PROGRESSIVE, DUCHENNE TYPE; Duchenne Muscular Dystrophy (DMD). Identifiers: Orphanet 98896, MedGen C0013264, MONDO:0010679, OMIM 310200.

Allele frequency attached by ClinVar (database versions not stated): TOPMed 0.00001; gnomAD 0.00002.
gnomAD v4.1: 2 of 1,207,252 alleles (0.00017%); highest among the groups gnomAD compares: African/African-American, 0.0035%; no homozygotes.

Submission:

Labcorp Genetics (formerly Invitae), Labcorp
Classification: Uncertain significance for Duchenne muscular dystrophy. Last evaluated: 2023-11-27. Review status: criteria provided, single submitter. Criteria: Invitae Variant Classification Sherloc (09022015). Collection method: clinical testing. Allele origin: germline.
Comment: This sequence change replaces leucine, which is neutral and non-polar, with methionine, which is neutral and non-polar, at codon 603 of the DMD protein (p.Leu603Met). This variant is not present in population databases (gnomAD no frequency). This variant has not been reported in the literature in individuals affected with DMD-related conditions. Advanced modeling of protein sequence and biophysical properties (such as structural, functional, and spatial information, amino acid conservation, physicochemical variation, residue mobility, and thermodynamic stability) performed at Invitae indicates that this missense variant is not expected to disrupt DMD protein function with a negative predictive value of 95%. In summary, the available evidence is currently insufficient to determine the role of this variant in disease. Therefore, it has been classified as a Variant of Uncertain Significance.

NM_004006.3(DMD):c.1807C>A (p.Leu603Met)

Gene: DMD (dystrophin; minus strand). Cytogenetic location: Xp21.1.
Variant type: single nucleotide variant.
Coding change: c.1807C>A on transcript NM_004006.3 (MANE Select); coding-DNA position 1807, C replaced by A.
Protein change: p.Leu603Met; replaces leucine 603 with methionine.
Molecular consequence: missense variant.
Genome position (GRCh38, 1-based): chrX:32,573,535, G>T on the plus strand (C>A on the coding strand, the complement: DMD is on the minus strand). VCF-style: chrX-32573535-G-T. GRCh37 (hg19) VCF-style: chrX-32591652-G-T.
Other names: c.1783C>A, p.Leu595Met (NM_000109.4); c.1795C>A, p.Leu599Met (NM_004009.3); c.1438C>A, p.Leu480Met (NM_004010.3); short protein forms L599M, L603M, L480M, L595M.
Identifiers: ClinVar variation 2758759 (VCV002758759.3), dbSNP rs909802044, ClinGen allele CA328038670.